The following is an entry in ClinVar:

NM_004472.3(FOXD1):c.858G>A (p.Ala286=)

Gene: FOXD1 (forkhead box D1; minus strand). Cytogenetic location: 5q13.2.
Variant type: single nucleotide variant.
Coding change: c.858G>A on transcript NM_004472.3 (MANE Select); coding-DNA position 858, G replaced by A.
Protein change: p.Ala286=; no amino-acid change (alanine 286 retained).
Molecular consequence: synonymous variant.
Genome position (GRCh38, 1-based): chr5:73,447,505, C>T on the plus strand (G>A on the coding strand, the complement: FOXD1 is on the minus strand). VCF-style: chr5-73447505-C-T. GRCh37 (hg19) VCF-style: chr5-72743330-C-T.
Identifiers: ClinVar variation 3029354 (VCV003029354.2), dbSNP rs2478675156, ClinGen allele CA445096042.

ClinVar aggregate classification (germline): Likely benign (0 of 4 stars; one submission).

Conditions:
FOXD1-related disorder. Also called: FOXD1-related condition.

Allele frequency attached by ClinVar (database versions not stated): gnomAD exomes below 0.00001.
gnomAD v4.1: 3 of 1,013,596 alleles (0.0003%); highest among the groups gnomAD compares: Non-Finnish European, 0.00035%; no homozygotes.

Submission:

PreventionGenetics, part of Exact Sciences
Classification: Likely benign for FOXD1-related condition. Last evaluated: 2021-10-13. Review status: no assertion criteria provided. Collection method: clinical testing. Allele origin: germline.
Comment: This variant is classified as likely benign based on ACMG/AMP sequence variant interpretation guidelines (Richards et al. 2015 PMID: 25741868, with internal and published modifications).